The following is an entry in ClinVar:

ClinVar aggregate classification (germline): Uncertain significance (1 of 4 stars; one submission).

Allele frequency attached by ClinVar (database versions not stated): gnomAD 0.00001.
gnomAD v4.1: 1 of 1,613,844 alleles (0.000062%); highest among the groups gnomAD compares: Non-Finnish European, 0.000085%; no homozygotes.

Submission:

Labcorp Genetics (formerly Invitae), Labcorp
Classification: Uncertain significance. Last evaluated: 2025-11-27. Review status: criteria provided, single submitter. Criteria: Invitae Variant Classification Sherloc (09022015). Collection method: clinical testing. Allele origin: germline.
Comment: This sequence change replaces valine, which is neutral and non-polar, with alanine, which is neutral and non-polar, at codon 204 of the DCHS1 protein (p.Val204Ala). The frequency data for this variant in the population databases is considered unreliable, as metrics indicate poor data quality at this position in the gnomAD database. This variant has not been reported in the literature in individuals affected with DCHS1-related conditions. ClinVar contains an entry for this variant (Variation ID: 3001183). Invitae Evidence Modeling of protein sequence and biophysical properties (such as structural, functional, and spatial information, amino acid conservation, physicochemical variation, residue mobility, and thermodynamic stability) indicates that this missense variant is not expected to disrupt DCHS1 protein function with a negative predictive value of 95%. In summary, the available evidence is currently insufficient to determine the role of this variant in disease. Therefore, it has been classified as a Variant of Uncertain Significance.

NM_003737.4(DCHS1):c.611T>C (p.Val204Ala)

Gene: DCHS1 (dachsous cadherin-related 1; minus strand). Cytogenetic location: 11p15.4.
Variant type: single nucleotide variant.
Coding change: c.611T>C on transcript NM_003737.4 (MANE Select); coding-DNA position 611, T replaced by C.
Protein change: p.Val204Ala; replaces valine 204 with alanine.
Molecular consequence: missense variant.
Genome position (GRCh38, 1-based): chr11:6,641,003, A>G on the plus strand (T>C on the coding strand, the complement: DCHS1 is on the minus strand). VCF-style: chr11-6641003-A-G. GRCh37 (hg19) VCF-style: chr11-6662234-A-G.
Other names: short protein forms V204A.
Identifiers: ClinVar variation 3001183 (VCV003001183.3), dbSNP rs1199873442, ClinGen allele CA379441526.